The following is an entry in ClinVar:

NM_144997.7(FLCN):c.1535T>C (p.Met512Thr)

Gene: FLCN (folliculin; minus strand). Cytogenetic location: 17p11.2.
Variant type: single nucleotide variant.
Coding change: c.1535T>C on transcript NM_144997.7 (MANE Select); coding-DNA position 1535, T replaced by C.
Protein change: p.Met512Thr; replaces methionine 512 with threonine.
Molecular consequence: missense variant.
Genome position (GRCh38, 1-based): chr17:17,214,988, A>G on the plus strand (T>C on the coding strand, the complement: FLCN is on the minus strand). VCF-style: chr17-17214988-A-G. GRCh37 (hg19) VCF-style: chr17-17118302-A-G.
Other names: c.1589T>C, p.Met530Thr (NM_001353229.2); c.1535T>C, p.Met512Thr (NM_001353230.2, NM_001353231.2); short protein forms M530T, M512T.
Identifiers: ClinVar variation 2842007 (VCV002842007.3), dbSNP rs2544140476, ClinGen allele CA398530675.

ClinVar aggregate classification (germline): Uncertain significance (1 of 4 stars; one submission).

Conditions:
Birt-Hogg-Dube syndrome. Also called: Birt Hogg Dubé syndrome. Identifiers: Orphanet 122, MedGen C0346010, MONDO:0800444.

Submission:

Labcorp Genetics (formerly Invitae), Labcorp
Classification: Uncertain significance for Birt-Hogg-Dube syndrome. Last evaluated: 2023-03-17. Review status: criteria provided, single submitter. Criteria: Invitae Variant Classification Sherloc (09022015). Collection method: clinical testing. Allele origin: germline.
Comment: In summary, the available evidence is currently insufficient to determine the role of this variant in disease. Therefore, it has been classified as a Variant of Uncertain Significance. Advanced modeling of protein sequence and biophysical properties (such as structural, functional, and spatial information, amino acid conservation, physicochemical variation, residue mobility, and thermodynamic stability) performed at Invitae indicates that this missense variant is not expected to disrupt FLCN protein function. This variant has not been reported in the literature in individuals affected with FLCN-related conditions. This variant is not present in population databases (gnomAD no frequency). This sequence change replaces methionine, which is neutral and non-polar, with threonine, which is neutral and polar, at codon 512 of the FLCN protein (p.Met512Thr).